The following is an entry in ClinVar:

ClinVar aggregate classification (germline): Likely benign (1 of 4 stars; one submission).

Conditions:
Malignant hyperthermia, susceptibility to, 1 (MHS1). Also called: Anesthesia related hyperthermia; Malignant hyperpyrexia; Fulminating hyperpyrexia; Pharmacogenic myopathy; Malignant hyperthermia suceptibility 1; RYR1-Related Malignant Hyperthermia Susceptibility. Identifiers: Orphanet 423, MedGen C2930980, MONDO:0007783, OMIM 145600.

gnomAD v4.1: 1 of 1,614,058 alleles (0.000062%); highest among the groups gnomAD compares: Non-Finnish European, 0.000085%; no homozygotes.

Submission:

All of Us Research Program, National Institutes of Health
Classification: Likely benign for Malignant hyperthermia, susceptibility to, 1. Last evaluated: 2024-05-14. Review status: criteria provided, single submitter. Criteria: ACMG Guidelines, 2015. Collection method: clinical testing. Allele origin: germline. Inheritance: Autosomal dominant inheritance. Observed: 1 variant allele, 1 heterozygote.
Comment: This study involves interpretation of variants in research participants for the purpose of population health screening. Participant phenotype was not available at the time of variant classification. Additional details can be found in publication PMID: 35346344, PMCID: PMC8962531

NM_000540.3(RYR1):c.14742G>A (p.Arg4914=)

Gene: RYR1 (ryanodine receptor 1; plus strand). Cytogenetic location: 19q13.2.
Variant type: single nucleotide variant.
Coding change: c.14742G>A on transcript NM_000540.3 (MANE Select); coding-DNA position 14742, G replaced by A.
Protein change: p.Arg4914=; no amino-acid change (arginine 4914 retained).
Molecular consequence: synonymous variant.
Genome position (GRCh38, 1-based): chr19:38,585,038, G>A. VCF-style: chr19-38585038-G-A. GRCh37 (hg19) VCF-style: chr19-39075678-G-A.
Other names: c.14727G>A, p.Arg4909= (NM_001042723.2).
Identifiers: ClinVar variation 3385633 (VCV003385633.1).
Genomic context (GRCh38, chr19:38,585,038, plus strand): 5'-TGGCGGAGGCATTGGGGACGAGATCGAGGACCCCGCGGGTGACGAATACGAGCTCTACAG[G>A]GTGGTCTTCGACATCACCTTCTTCTTCTTCGTCATCGTCATCCTGTTGGCCATCATCCAG-3'
Protein context (NP_000531.2, residues 4904-4924): DPAGDEYELY[Arg4914=]VVFDITFFFF